The following is an entry in ClinVar:

NM_004329.3(BMPR1A):c.68-1G>C

Gene: BMPR1A (bone morphogenetic protein receptor type 1A; plus strand). Cytogenetic location: 10q23.2.
Variant type: single nucleotide variant.
Coding change: c.68-1G>C on transcript NM_004329.3 (MANE Select); the canonical splice acceptor site of the intron before coding-DNA position 68, G replaced by C.
Molecular consequence: splice acceptor variant. On other transcripts: intron variant (2).
Genome position (GRCh38, 1-based): chr10:86,890,061, G>C. VCF-style: chr10-86890061-G-C. GRCh37 (hg19) VCF-style: chr10-88649818-G-C.
Other names: c.68-1G>C (NM_001406562.1, NM_001406568.1, NM_001406567.1 and 23 more transcripts); c.-17-1G>C (NM_001406584.1, NM_001406587.1, NM_001406585.1); c.-12-6G>C (NM_001406588.1, NM_001406586.1).
Identifiers: ClinVar variation 429095 (VCV000429095.5), dbSNP rs1131691174, ClinGen allele CA377446197.

ClinVar aggregate classification (germline): Pathogenic (1 of 4 stars; one submission).

Conditions:
Hereditary cancer-predisposing syndrome. Also called: Hereditary Cancer Syndrome; Neoplastic Syndromes, Hereditary; Hereditary neoplastic syndrome; Tumor predisposition. Identifiers: Orphanet 140162, MedGen C0027672, MeSH D009386, MONDO:0015356.

Submission:

Ambry Genetics
Classification: Pathogenic for Hereditary cancer-predisposing syndrome. Last evaluated: 2020-05-26. Review status: criteria provided, single submitter. Criteria: Ambry Variant Classification Scheme 2023. Collection method: clinical testing. Allele origin: germline.
Comment: The c.68-1G>C intronic pathogenic mutation results from a G to C substitution one nucleotide upstream from coding exon 2 of the BMPR1A gene. Alterations that disrupt the canonical splice site are expected to cause aberrant splicing, resulting in an abnormal protein or a transcript that is subject to nonsense-mediated mRNA decay. As such, this alteration is classified as a disease-causing mutation.